The following is an entry in ClinVar:

ClinVar aggregate classification (germline): Uncertain significance. Review status: criteria provided, multiple submitters, no conflicts (2 of 4 stars). 2 submissions from 2 submitters: Uncertain significance (2). Last evaluated 2026-05-19.

Conditions:
Inborn genetic diseases. Identifiers: MedGen C0950123, MeSH D030342.
Holoprosencephaly 5 (HPE5). Identifiers: Orphanet 2162, MedGen C1864827, MONDO:0012322, OMIM 609637.

Allele frequency attached by ClinVar (database versions not stated): gnomAD exomes 0.00001; ExAC 0.00001; gnomAD 0.00001; ESP Exome Variant Server 0.00011; TOPMed 0.00002.

Submissions (2):

Ambry Genetics
Classification: Uncertain significance for Inborn genetic diseases. Last evaluated: 2026-05-19. Review status: criteria provided, single submitter. Criteria: Ambry Variant Classification Scheme 2023. Collection method: clinical testing. Allele origin: germline.
Comment: The c.1373C>T (p.A458V) alteration is located in exon 3 (coding exon 3) of the ZIC2 gene. This alteration results from a C to T substitution at nucleotide position 1373, causing the alanine (A) at amino acid position 458 to be replaced by a valine (V). Based on data from gnomAD, the T allele has an overall frequency of 0.001% (1/101670) total alleles studied. The highest observed frequency was 0.011% (1/9336) of Latino alleles. Based on insufficient or conflicting evidence, the clinical significance of this alteration remains unclear.

Labcorp Genetics (formerly Invitae), Labcorp
Classification: Uncertain significance for Holoprosencephaly 5. Last evaluated: 2025-12-01. Review status: criteria provided, single submitter. Criteria: Invitae Variant Classification Sherloc (09022015). Collection method: clinical testing. Allele origin: germline.
Comment: This sequence change replaces alanine, which is neutral and non-polar, with valine, which is neutral and non-polar, at codon 458 of the ZIC2 protein (p.Ala458Val). The frequency data for this variant in the population databases is considered unreliable, as metrics indicate poor data quality at this position in the gnomAD database. This variant has not been reported in the literature in individuals affected with ZIC2-related conditions. ClinVar contains an entry for this variant (Variation ID: 2882340). Experimental studies and prediction algorithms are not available or were not evaluated, and the functional significance of this variant is currently unknown. In summary, the available evidence is currently insufficient to determine the role of this variant in disease. Therefore, it has been classified as a Variant of Uncertain Significance.

NM_007129.5(ZIC2):c.1373C>T (p.Ala458Val)

Genes: ZIC2 (Zic family zinc finger 2; plus strand), LOC110008580 (Zic family member 2 polyalanine repeat instability region; plus strand). Cytogenetic location: 13q32.3.
Variant type: single nucleotide variant.
Coding change: c.1373C>T on transcript NM_007129.5 (MANE Select); coding-DNA position 1373, C replaced by T.
Protein change: p.Ala458Val; replaces alanine 458 with valine.
Molecular consequence: missense variant.
Genome position (GRCh38, 1-based): chr13:99,985,456, C>T. VCF-style: chr13-99985456-C-T. GRCh37 (hg19) VCF-style: chr13-100637710-C-T.
Other names: c.1373C>T (NM_007129.3); short protein forms A458V.
Identifiers: ClinVar variation 2882340 (VCV002882340.4), dbSNP rs374745690, ClinGen allele CA7032981.